The following is an entry in ClinVar:

NM_012470.4(TNPO3):c.120+184C>G

Gene: TNPO3 (transportin 3; minus strand). Cytogenetic location: 7q32.1.
Variant type: single nucleotide variant.
Coding change: c.120+184C>G on transcript NM_012470.4 (MANE Select); 184 bases into the intron after coding-DNA position 120, C replaced by G.
Molecular consequence: intron variant.
Genome position (GRCh38, 1-based): chr7:129,054,467, G>C on the plus strand (C>G on the coding strand, the complement: TNPO3 is on the minus strand). VCF-style: chr7-129054467-G-C. GRCh37 (hg19) VCF-style: chr7-128694521-G-C.
Other names: c.120+184C>G (NM_001382221.1, NM_001382222.1, NM_001382219.1 and 6 more transcripts).
Identifiers: ClinVar variation 678970 (VCV000678970.1), dbSNP rs10266077, ClinGen allele CA166231079.

ClinVar aggregate classification (germline): Likely benign (1 of 4 stars; one submission).

Allele frequency attached by ClinVar (database versions not stated): gnomAD 0.01201; TOPMed 0.01371; 1000 Genomes Project 0.01378; 1000 Genomes Project 30x 0.01562.
gnomAD v4.1: 1,805 of 152,280 alleles (1.2%); highest among the groups gnomAD compares: African/African-American, 4.2%; 38 homozygotes.

Submission:

GeneDx
Classification: Likely benign. Last evaluated: 2018-06-19. Review status: criteria provided, single submitter. Criteria: GeneDx Variant Classification (06012015). Collection method: clinical testing. Allele origin: germline. Affected: yes.
Comment: This variant is considered likely benign or benign based on one or more of the following criteria: it is a conservative change, it occurs at a poorly conserved position in the protein, it is predicted to be benign by multiple in silico algorithms, and/or has population frequency not consistent with disease.